The following is an entry in ClinVar:

ClinVar aggregate classification (germline): Pathogenic (1 of 4 stars; one submission).

Conditions:
Hereditary cancer-predisposing syndrome. Also called: Neoplastic Syndromes, Hereditary; Tumor predisposition; Hereditary Cancer Syndrome; Hereditary neoplastic syndrome. Identifiers: Orphanet 140162, MedGen C0027672, MeSH D009386, MONDO:0015356.

Submission:

Ambry Genetics
Classification: Pathogenic for Hereditary cancer-predisposing syndrome. Last evaluated: 2025-10-20. Review status: criteria provided, single submitter. Criteria: Ambry Variant Classification Scheme 2023. Collection method: clinical testing. Allele origin: germline.
Comment: The c.741delC pathogenic mutation, located in coding exon 5 of the CHEK2 gene, results from a deletion of one nucleotide at nucleotide position 741, causing a translational frameshift with a predicted alternate stop codon (p.I248*). This variant is considered to be rare based on population cohorts in the Genome Aggregation Database (gnomAD). This alteration is expected to result in loss of function by premature protein truncation or nonsense-mediated mRNA decay. As such, this alteration is interpreted as a disease-causing mutation.

NM_007194.4(CHEK2):c.741del (p.Ala247_Ile248insTer)

Gene: CHEK2 (checkpoint kinase 2; minus strand). Cytogenetic location: 22q12.1.
Variant type: Deletion.
Coding change: c.741del on transcript NM_007194.4 (MANE Select); coding-DNA position 741, one base deleted (C; older notation c.741delC).
Protein change: p.Ala247_Ile248insTer.
Molecular consequence: frameshift variant.
Genome position (GRCh38, 1-based): chr22:28,711,960, G deleted on the plus strand (C on the coding strand, the reverse complement: CHEK2 is on the minus strand); the first of 2 consecutive G bases (chr22:28,711,960-28,711,961); deleting either gives the same sequence. VCF-style (leftmost placement, unchanged base first): chr22-28711959-TG-T. GRCh37 (hg19) VCF-style: chr22-29107947-TG-T.
Other names: c.870del, p.Ala290_Ile291insTer (NM_001005735.3, NM_001438294.1); c.78del, p.Ala26_Ile27insTer (NM_001257387.3, NM_001437942.1); c.540del, p.Ala180_Ile181insTer (NM_001349956.3); c.834del, p.Ala278_Ile279insTer (NM_001438293.1, NM_001438295.1); c.741del, p.Ala247_Ile248insTer (NM_145862.3).
Identifiers: ClinVar variation 4634854 (VCV004634854.1).